The following is an entry in ClinVar:

NM_138576.4(BCL11B):c.1602_1604del (p.Asp534del)

Gene: BCL11B (BCL11 transcription factor B; minus strand). Cytogenetic location: 14q32.2.
Variant type: Deletion.
Coding change: c.1602_1604del on transcript NM_138576.4 (MANE Select); coding-DNA positions 1602 to 1604, 3 bases deleted (CGA; older notation c.1602_1604delCGA).
Protein change: p.Asp534del; deletes aspartic acid 534.
Molecular consequence: inframe deletion.
Genome position (GRCh38, 1-based): chr14:99,175,232-99,175,234, TCG deleted on the plus strand (CGA on the coding strand, the reverse complement: BCL11B is on the minus strand); deleting any 3 consecutive bases within chr14:99,175,232-99,175,236 gives the same sequence; the c. name uses the placement nearest the transcript's 3' end. VCF-style (leftmost placement, unchanged base first): chr14-99175231-CTCG-C. GRCh37 (hg19) VCF-style: chr14-99641568-CTCG-C.
Other names: c.1599_1601del, p.Asp533del (NM_001282237.2); c.1386_1388del, p.Asp462del (NM_001282238.2); c.1389_1391del, p.Asp463del (NM_022898.3); short protein forms D462del, D533del, D534del, D463del.
Identifiers: ClinVar variation 5005366 (VCV005005366.2).

ClinVar aggregate classification (germline): Uncertain significance (1 of 4 stars; one submission).

Conditions:
Intellectual developmental disorder with speech delay, dysmorphic facies, and t-cell abnormalities. Also called: BCL11B-related BAFopathy. Identifiers: Orphanet 662829, MedGen C4748152, MONDO:0060763, OMIM 618092.
Immunodeficiency 49 (IMD49). Also called: IMMUNODEFICIENCY 49, SEVERE COMBINED; SEVERE COMBINED IMMUNODEFICIENCY, T CELL-NEGATIVE, B CELL-POSITIVE, NK CELL-POSITIVE, WITH INTELLECTUAL DISABILITY, SPASTICITY, AND CRANIOFACIAL ABNORMALITIES; SCID, T CELL-NEGATIVE, B CELL-POSITIVE, NK CELL-POSITIVE, WITH INTELLECTUAL DISABILITY, SPASTICITY, AND CRANIOFACIAL ABNORMALITIES. Identifiers: MedGen C4310656, MONDO:0014981, OMIM 617237.

Submission:

Juno Genomics, Hangzhou Juno Genomics, Inc
Classification: Uncertain significance for Immunodeficiency 49; Intellectual developmental disorder with speech delay, dysmorphic facies, and t-cell abnormalities. Review status: criteria provided, single submitter. Criteria: ACMG Guidelines, 2015. Collection method: clinical testing. Allele origin: germline.
Comment: Absent from controls (or at extremely low frequency if recessive) in Genome Aggregation Database.;Protein length changes due to in-frame deletions/insertions in a non-repeat region or stop-loss variants.